The following is an entry in ClinVar:

ClinVar aggregate classification (germline): Uncertain significance (1 of 4 stars; one submission).

Conditions:
Pheochromocytoma. Also called: MAX-Related Hereditary Paraganglioma-Pheochromocytoma Syndrome. Identifiers: Orphanet 29072, MedGen C0031511, MONDO:0008233, OMIM 171300, HP:0002666.
Pheochromocytoma/paraganglioma syndrome 4. Also called: CAROTID BODY TUMORS AND MULTIPLE EXTRAADRENAL PHEOCHROMOCYTOMAS; PARAGANGLIOMA, FAMILIAL MALIGNANT; PARAGANGLIOMAS, HEREDITARY EXTRAADRENAL; PHEOCHROMOCYTOMA, FAMILIAL EXTRAADRENAL; Paragangliomas 4; SDHB-Related Hereditary Paraganglioma-Pheochromocytoma Syndrome (Paragangliomas 4). Identifiers: Orphanet 29072, MedGen C1861848, MONDO:0007273, OMIM 115310.
Gastrointestinal stromal tumor. Also called: Gastrointestinal stromal tumor, somatic; Gastrointestinal stroma tumor. Identifiers: Orphanet 44890, MedGen C0238198, MeSH D046152, MONDO:0011719, OMIM 606764, HP:0100723.

Submission:

Labcorp Genetics (formerly Invitae), Labcorp
Classification: Uncertain significance for Gastrointestinal stromal tumor; Pheochromocytoma/paraganglioma syndrome 4; Pheochromocytoma. Last evaluated: 2024-05-04. Review status: criteria provided, single submitter. Criteria: Invitae Variant Classification Sherloc (09022015). Collection method: clinical testing. Allele origin: germline.
Comment: This sequence change replaces tryptophan, which is neutral and slightly polar, with cysteine, which is neutral and slightly polar, at codon 218 of the SDHB protein (p.Trp218Cys). This variant is not present in population databases (gnomAD no frequency). This variant has not been reported in the literature in individuals affected with SDHB-related conditions. Advanced modeling of protein sequence and biophysical properties (such as structural, functional, and spatial information, amino acid conservation, physicochemical variation, residue mobility, and thermodynamic stability) performed at Invitae indicates that this missense variant is expected to disrupt SDHB protein function with a positive predictive value of 80%. In summary, the available evidence is currently insufficient to determine the role of this variant in disease. Therefore, it has been classified as a Variant of Uncertain Significance.

NM_003000.3(SDHB):c.654G>T (p.Trp218Cys)

Gene: SDHB (succinate dehydrogenase complex iron sulfur subunit B; minus strand). Cytogenetic location: 1p36.13.
Variant type: single nucleotide variant.
Coding change: c.654G>T on transcript NM_003000.3 (MANE Select); coding-DNA position 654, G replaced by T.
Protein change: p.Trp218Cys; replaces tryptophan 218 with cysteine.
Molecular consequence: missense variant.
Genome position (GRCh38, 1-based): chr1:17,022,719, C>A on the plus strand (G>T on the coding strand, the complement: SDHB is on the minus strand). VCF-style: chr1-17022719-C-A. GRCh37 (hg19) VCF-style: chr1-17349214-C-A.
Other names: c.600G>T, p.Trp200Cys (NM_001407361.1); short protein forms W200C, W218C.
Identifiers: ClinVar variation 3756180 (VCV003756180.2).